The following is an entry in ClinVar:

ClinVar aggregate classification (germline): Uncertain significance. Review status: criteria provided, multiple submitters, no conflicts (2 of 4 stars). 2 submissions from 2 submitters: Uncertain significance (2). Last evaluated 2022-09-13.

Conditions:
Inborn genetic diseases. Identifiers: MedGen C0950123, MeSH D030342.

Allele frequency attached by ClinVar (database versions not stated): gnomAD 0.00002 and 0.00003; gnomAD exomes 0.00004 and 0.00009; TOPMed 0.00004; ExAC 0.00005; 1000 Genomes Project 0.00020; 1000 Genomes Project 30x 0.00031.
gnomAD v4.1: 69 of 1,614,046 alleles (0.0043%); highest among the groups gnomAD compares: Middle Eastern, 0.033%; 1 homozygote.

Submissions (2):

Labcorp Genetics (formerly Invitae), Labcorp
Classification: Uncertain significance. Last evaluated: 2022-09-13. Review status: criteria provided, single submitter. Criteria: Invitae Variant Classification Sherloc (09022015). Collection method: clinical testing. Allele origin: germline.
Comment: This sequence change replaces threonine, which is neutral and polar, with proline, which is neutral and non-polar, at codon 1098 of the TAF2 protein (p.Thr1098Pro). This variant is present in population databases (rs200397588, gnomAD 0.04%). This variant has not been reported in the literature in individuals affected with TAF2-related conditions. ClinVar contains an entry for this variant (Variation ID: 1381809). Algorithms developed to predict the effect of missense changes on protein structure and function output the following: SIFT: "Tolerated"; PolyPhen-2: "Benign"; Align-GVGD: "Class C0". The proline amino acid residue is found in multiple mammalian species, which suggests that this missense change does not adversely affect protein function. In summary, the available evidence is currently insufficient to determine the role of this variant in disease. Therefore, it has been classified as a Variant of Uncertain Significance.

Ambry Genetics
Classification: Uncertain significance for Inborn genetic diseases. Last evaluated: 2021-06-22. Review status: criteria provided, single submitter. Criteria: Ambry Variant Classification Scheme 2023. Collection method: clinical testing. Allele origin: germline.

NM_003184.4(TAF2):c.3292A>C (p.Thr1098Pro)

Gene: TAF2 (TATA-box binding protein associated factor 2; minus strand). Cytogenetic location: 8q24.12.
Variant type: single nucleotide variant.
Coding change: c.3292A>C on transcript NM_003184.4 (MANE Select); coding-DNA position 3292, A replaced by C.
Protein change: p.Thr1098Pro; replaces threonine 1098 with proline.
Molecular consequence: missense variant.
Genome position (GRCh38, 1-based): chr8:119,742,579, T>G on the plus strand (A>C on the coding strand, the complement: TAF2 is on the minus strand). VCF-style: chr8-119742579-T-G. GRCh37 (hg19) VCF-style: chr8-120754819-T-G.
Other names: c.3292A>C (NM_003184.3); short protein forms T1098P.
Identifiers: ClinVar variation 1381809 (VCV001381809.4), dbSNP rs200397588, ClinGen allele CA4856829.